The following is an entry in ClinVar:

NM_006767.4(LZTR1):c.1576C>G (p.Gln526Glu)

Gene: LZTR1 (leucine zipper like post translational regulator 1; plus strand). Cytogenetic location: 22q11.21.
Variant type: single nucleotide variant.
Coding change: c.1576C>G on transcript NM_006767.4 (MANE Select); coding-DNA position 1576, C replaced by G.
Protein change: p.Gln526Glu; replaces glutamine 526 with glutamic acid.
Molecular consequence: missense variant.
Genome position (GRCh38, 1-based): chr22:20,994,230, C>G. VCF-style: chr22-20994230-C-G. GRCh37 (hg19) VCF-style: chr22-21348519-C-G.
Other names: short protein forms Q526E.
Identifiers: ClinVar variation 4859408 (VCV004859408.1).

ClinVar aggregate classification (germline): Uncertain significance (1 of 4 stars; one submission).

Conditions:
Cardiovascular phenotype. Identifiers: MedGen CN230736.
Hereditary cancer-predisposing syndrome. Also called: Neoplastic Syndromes, Hereditary; Tumor predisposition; Hereditary Cancer Syndrome; Hereditary neoplastic syndrome. Identifiers: Orphanet 140162, MedGen C0027672, MeSH D009386, MONDO:0015356.

Submission:

Ambry Genetics
Classification: Uncertain significance for Cardiovascular phenotype; Hereditary cancer-predisposing syndrome. Last evaluated: 2026-05-15. Review status: criteria provided, single submitter. Criteria: Ambry Variant Classification Scheme 2023. Collection method: clinical testing. Allele origin: germline.
Comment: The p.Q526E variant (also known as c.1576C>G), located in coding exon 14 of the LZTR1 gene, results from a C to G substitution at nucleotide position 1576. The glutamine at codon 526 is replaced by glutamic acid, an amino acid with highly similar properties. This amino acid position is conserved. In addition, the in silico prediction for this alteration is inconclusive. Based on the available evidence, the clinical significance of this variant remains unclear.